The following is an entry in ClinVar:

NM_002234.4(KCNA5):c.1670G>A (p.Ser557Asn)

Gene: KCNA5 (potassium voltage-gated channel subfamily A member 5; plus strand). Cytogenetic location: 12p13.32.
Variant type: single nucleotide variant.
Coding change: c.1670G>A on transcript NM_002234.4 (MANE Select); coding-DNA position 1670, G replaced by A.
Protein change: p.Ser557Asn; replaces serine 557 with asparagine.
Molecular consequence: missense variant.
Genome position (GRCh38, 1-based): chr12:5,045,817, G>A. VCF-style: chr12-5045817-G-A. GRCh37 (hg19) VCF-style: chr12-5154983-G-A.
Other names: short protein forms S557N.
Identifiers: ClinVar variation 1014743 (VCV001014743.10), dbSNP rs201466058, ClinGen allele CA6399918.

ClinVar aggregate classification (germline): Uncertain significance. Review status: criteria provided, multiple submitters, no conflicts (2 of 4 stars). 3 submissions from 3 submitters: Uncertain significance (3). Last evaluated 2024-03-12.

Conditions:
Atrial fibrillation, familial, 7 (ATFB7). Identifiers: MedGen C2677106, MONDO:0012828, OMIM 612240.

gnomAD v4.1: 5 of 1,614,136 alleles (0.00031%); highest among the groups gnomAD compares: African/African-American, 0.004%; no homozygotes.

Submissions (3):

Fulgent Genetics
Classification: Uncertain significance for Atrial fibrillation, familial, 7. Last evaluated: 2024-03-12. Review status: criteria provided, single submitter. Criteria: ACMG Guidelines, 2015. Collection method: clinical testing. Allele origin: germline.

Labcorp Genetics (formerly Invitae), Labcorp
Classification: Uncertain significance for Atrial fibrillation, familial, 7. Last evaluated: 2024-02-24. Review status: criteria provided, single submitter. Criteria: Invitae Variant Classification Sherloc (09022015). Collection method: clinical testing. Allele origin: germline.
Comment: This sequence change replaces serine, which is neutral and polar, with asparagine, which is neutral and polar, at codon 557 of the KCNA5 protein (p.Ser557Asn). This variant is present in population databases (rs201466058, gnomAD 0.003%). This variant has not been reported in the literature in individuals affected with KCNA5-related conditions. ClinVar contains an entry for this variant (Variation ID: 1014743). An algorithm developed to predict the effect of missense changes on protein structure and function (PolyPhen-2) suggests that this variant is likely to be disruptive. In summary, the available evidence is currently insufficient to determine the role of this variant in disease. Therefore, it has been classified as a Variant of Uncertain Significance.

Breakthrough Genomics
Classification: Uncertain significance. Review status: criteria provided, single submitter. Criteria: ACMG Guidelines, 2015. Collection method: not provided. Allele origin: germline. Inheritance: Autosomal dominant inheritance. Affected: yes.